The following is an entry in ClinVar:

ClinVar aggregate classification (germline): Uncertain significance (1 of 4 stars; one submission).

Conditions:
Cardiovascular phenotype. Identifiers: MedGen CN230736.

Submission:

Ambry Genetics
Classification: Uncertain significance for Cardiovascular phenotype. Last evaluated: 2026-04-25. Review status: criteria provided, single submitter. Criteria: Ambry Variant Classification Scheme 2023. Collection method: clinical testing. Allele origin: germline.
Comment: The p.V363E variant (also known as c.1088T>A), located in coding exon 7 of the CBL gene, results from a T to A substitution at nucleotide position 1088. The valine at codon 363 is replaced by glutamic acid, an amino acid with dissimilar properties. This amino acid position is conserved. In addition, this alteration is predicted to be deleterious by in silico analysis. Based on the available evidence, the clinical significance of this variant remains unclear.

NM_005188.4(CBL):c.1088T>A (p.Val363Glu)

Gene: CBL (Cbl proto-oncogene; plus strand). Cytogenetic location: 11q23.3.
Variant type: single nucleotide variant.
Coding change: c.1088T>A on transcript NM_005188.4 (MANE Select); coding-DNA position 1088, T replaced by A.
Protein change: p.Val363Glu; replaces valine 363 with glutamic acid.
Molecular consequence: missense variant.
Genome position (GRCh38, 1-based): chr11:119,277,837, T>A. VCF-style: chr11-119277837-T-A. GRCh37 (hg19) VCF-style: chr11-119148547-T-A.
Other names: short protein forms V363E.
Identifiers: ClinVar variation 4868240 (VCV004868240.1).